The following is an entry in ClinVar:

NM_001101362.3(KBTBD13):c.580C>T (p.Pro194Ser)

Gene: KBTBD13 (kelch repeat and BTB domain containing 13; plus strand). Cytogenetic location: 15q22.31.
Variant type: single nucleotide variant.
Coding change: c.580C>T on transcript NM_001101362.3 (MANE Select); coding-DNA position 580, C replaced by T.
Protein change: p.Pro194Ser; replaces proline 194 with serine.
Molecular consequence: missense variant.
Genome position (GRCh38, 1-based): chr15:65,077,395, C>T. VCF-style: chr15-65077395-C-T. GRCh37 (hg19) VCF-style: chr15-65369733-C-T.
Other names: short protein forms P194S.
Identifiers: ClinVar variation 2185370 (VCV002185370.4), dbSNP rs1420216569, ClinGen allele CA392861596.

ClinVar aggregate classification (germline): Uncertain significance (1 of 4 stars; one submission).

Conditions:
Nemaline myopathy 6 (NEM6). Also called: Nemaline myopathy 6, autosomal dominant. Identifiers: Orphanet 171439, MedGen C1836472, MONDO:0012237, OMIM 609273.

Allele frequency attached by ClinVar (database versions not stated): gnomAD exomes below 0.00001; gnomAD 0.00002; TOPMed 0.00002.
gnomAD v4.1: 8 of 1,521,822 alleles (0.00053%); highest among the groups gnomAD compares: South Asian, 0.0048%; no homozygotes.

Submission:

Labcorp Genetics (formerly Invitae), Labcorp
Classification: Uncertain significance for Nemaline myopathy 6. Last evaluated: 2024-01-15. Review status: criteria provided, single submitter. Criteria: Invitae Variant Classification Sherloc (09022015). Collection method: clinical testing. Allele origin: germline.
Comment: This sequence change replaces proline, which is neutral and non-polar, with serine, which is neutral and polar, at codon 194 of the KBTBD13 protein (p.Pro194Ser). This variant is present in population databases (no rsID available, gnomAD 0.005%). This variant has not been reported in the literature in individuals affected with KBTBD13-related conditions. ClinVar contains an entry for this variant (Variation ID: 2185370). Advanced modeling of protein sequence and biophysical properties (such as structural, functional, and spatial information, amino acid conservation, physicochemical variation, residue mobility, and thermodynamic stability) has been performed at Invitae for this missense variant, however the output from this modeling did not meet the statistical confidence thresholds required to predict the impact of this variant on KBTBD13 protein function. In summary, the available evidence is currently insufficient to determine the role of this variant in disease. Therefore, it has been classified as a Variant of Uncertain Significance.